The following is an entry in ClinVar:

ClinVar aggregate classification (germline): Pathogenic/Likely pathogenic. Review status: criteria provided, multiple submitters, no conflicts (2 of 4 stars). 2 submissions from 2 submitters: Pathogenic (1); Likely pathogenic (1). Last evaluated 2025-07-01.

Conditions:
Inborn genetic diseases. Identifiers: MedGen C0950123, MeSH D030342.

Submissions (2):

Mayo Clinic Laboratories, Mayo Clinic
Classification: Likely pathogenic. Last evaluated: 2025-07-01. Review status: criteria provided, single submitter. Criteria: ACMG Guidelines, 2015. Collection method: clinical testing. Allele origin: germline. Observed: 1 variant allele.
Comment: PM2_supporting, PVS1

Ambry Genetics
Classification: Pathogenic for Inborn genetic diseases. Last evaluated: 2015-03-31. Review status: criteria provided, single submitter. Criteria: Ambry exome assertion method (8-5-2015). Collection method: clinical testing. Allele origin: germline. Affected: yes. Observed: 1 variant allele.

Literature cited by the submitters: PubMed 26795593 (cited by Mayo Clinic Laboratories, Mayo Clinic).

NM_001127222.2(CACNA1A):c.1912C>T (p.Gln638Ter)

Gene: CACNA1A (calcium voltage-gated channel subunit alpha1 A; minus strand). Cytogenetic location: 19p13.13.
Variant type: single nucleotide variant.
Coding change: c.1912C>T on transcript NM_001127222.2 (MANE Select); coding-DNA position 1912, C replaced by T.
Protein change: p.Gln638Ter; replaces glutamine 638 with a stop codon.
Molecular consequence: nonsense.
Genome position (GRCh38, 1-based): chr19:13,308,121, G>A on the plus strand (C>T on the coding strand, the complement: CACNA1A is on the minus strand). VCF-style: chr19-13308121-G-A. GRCh37 (hg19) VCF-style: chr19-13418935-G-A.
Other names: p.Gln639*; c.1915C>T, p.Gln639Ter (NM_000068.4, NM_001127221.2, NM_001174080.2 and 1 more transcripts); short protein forms Q639*, Q638*.
Identifiers: ClinVar variation 520652 (VCV000520652.5), dbSNP rs1555758842, ClinGen allele CA404344714.